The following is an entry in ClinVar:

ClinVar aggregate classification (germline): Uncertain significance (1 of 4 stars; one submission).

Conditions:
Multiple endocrine neoplasia, type 2 (MEN2). Identifiers: Orphanet 653, MedGen C4048306, MONDO:0019003. Disease mechanism: gain of function.

Submission:

Labcorp Genetics (formerly Invitae), Labcorp
Classification: Uncertain significance for Multiple endocrine neoplasia, type 2. Last evaluated: 2026-01-05. Review status: criteria provided, single submitter. Criteria: Invitae Variant Classification Sherloc (09022015). Collection method: clinical testing. Allele origin: germline.
Comment: This sequence change replaces phenylalanine, which is neutral and non-polar, with valine, which is neutral and non-polar, at codon 433 of the RET protein (p.Phe433Val). Information on the frequency of this variant in the gnomAD database is not available, as this variant may be reported differently in the database. This variant has not been reported in the literature in individuals affected with RET-related conditions. Experimental studies and prediction algorithms are not available or were not evaluated, and the functional significance of this variant is currently unknown. In summary, the available evidence is currently insufficient to determine the role of this variant in disease. Therefore, it has been classified as a Variant of Uncertain Significance.

NM_020975.6(RET):c.1296_1297delinsGG (p.Phe433Val)

Gene: RET (ret proto-oncogene; plus strand). Cytogenetic location: 10q11.21.
Variant type: Indel.
Coding change: c.1296_1297delinsGG on transcript NM_020975.6 (MANE Select); coding-DNA positions 1296 to 1297, AT replaced by GG.
Protein change: p.Phe433Val; replaces phenylalanine 433 with valine.
Molecular consequence: missense variant. On other transcripts: intron variant (15).
Genome position (GRCh38, 1-based): chr10:43,111,239-43,111,240, AT replaced by GG. VCF-style: chr10-43111239-AT-GG. GRCh37 (hg19) VCF-style: chr10-43606687-AT-GG.
Other names: c.534_535delinsGG, p.Phe179Val (NM_001355216.2); c.1296_1297delinsGG, p.Phe433Val (NM_001406743.1, NM_001406744.1, NM_001406759.1 and 4 more transcripts); c.1167_1168delinsGG, p.Phe390Val (NM_001406761.1, NM_001406762.1, NM_001406764.1 and 1 more transcripts); c.1008_1009delinsGG, p.Phe337Val (NM_001406766.1, NM_001406767.1, NM_001406770.1); c.900_901delinsGG, p.Phe301Val (NM_001406769.1, NM_001406772.1); c.858_859delinsGG, p.Phe287Val (NM_001406771.1, NM_001406773.1); c.771_772delinsGG, p.Phe258Val (NM_001406774.1); c.570_571delinsGG, p.Phe191Val (NM_001406775.1, NM_001406776.1, NM_001406777.1 and 1 more transcripts); and 5 more; short protein forms F258V, F103V, F337V, F191V, F287V, F301V, F179V, F390V.
Identifiers: ClinVar variation 4734717 (VCV004734717.1).